The following is an entry in ClinVar:

ClinVar aggregate classification (germline): Conflicting classifications of pathogenicity. Review status: criteria provided, conflicting classifications (1 of 4 stars). 2 submissions from 2 submitters: Uncertain significance (1); Likely benign (1). Last evaluated 2025-08-12.

Conditions:
Inborn genetic diseases. Identifiers: MedGen C0950123, MeSH D030342.

gnomAD v4.1: 12 of 1,584,602 alleles (0.00076%); highest among the groups gnomAD compares: Middle Eastern, 0.021%; no homozygotes.

Submissions (2):

Labcorp Genetics (formerly Invitae), Labcorp
Classification: Uncertain significance. Last evaluated: 2025-08-12. Review status: criteria provided, single submitter. Criteria: Invitae Variant Classification Sherloc (09022015). Collection method: clinical testing. Allele origin: germline.
Comment: This sequence change replaces glycine, which is neutral and non-polar, with serine, which is neutral and polar, at codon 164 of the TCF3 protein (p.Gly164Ser). The frequency data for this variant in the population databases is considered unreliable, as metrics indicate poor data quality at this position in the gnomAD database. This variant has not been reported in the literature in individuals affected with TCF3-related conditions. ClinVar contains an entry for this variant (Variation ID: 3966494). Invitae Evidence Modeling of protein sequence and biophysical properties (such as structural, functional, and spatial information, amino acid conservation, physicochemical variation, residue mobility, and thermodynamic stability) indicates that this missense variant is not expected to disrupt TCF3 protein function with a negative predictive value of 80%. In summary, the available evidence is currently insufficient to determine the role of this variant in disease. Therefore, it has been classified as a Variant of Uncertain Significance.

Ambry Genetics
Classification: Likely benign for Inborn genetic diseases. Last evaluated: 2025-05-19. Review status: criteria provided, single submitter. Criteria: Ambry Variant Classification Scheme 2023. Collection method: clinical testing. Allele origin: germline.

NM_003200.5(TCF3):c.490G>A (p.Gly164Ser)

Gene: TCF3 (transcription factor 3; minus strand). Cytogenetic location: 19p13.3.
Variant type: single nucleotide variant.
Coding change: c.490G>A on transcript NM_003200.5 (MANE Select); coding-DNA position 490, G replaced by A.
Protein change: p.Gly164Ser; replaces glycine 164 with serine.
Molecular consequence: missense variant.
Genome position (GRCh38, 1-based): chr19:1,625,585, C>T on the plus strand (G>A on the coding strand, the complement: TCF3 is on the minus strand). VCF-style: chr19-1625585-C-T. GRCh37 (hg19) VCF-style: chr19-1625584-C-T.
Other names: c.490G>A, p.Gly164Ser (NM_001136139.4, NM_001351778.2, NM_001351779.2); short protein forms G164S.
Identifiers: ClinVar variation 3966494 (VCV003966494.2).